The following is an entry in ClinVar:

NM_012186.3(FOXE3):c.191G>T (p.Arg64Leu)

Genes: FOXE3 (forkhead box E3; plus strand), LINC01389 (long independently transcribed non-coding RNA 1389; minus strand). Cytogenetic location: 1p33.
Variant type: single nucleotide variant.
Coding change: c.191G>T on transcript NM_012186.3 (MANE Select); coding-DNA position 191, G replaced by T.
Protein change: p.Arg64Leu; replaces arginine 64 with leucine.
Molecular consequence: missense variant.
Genome position (GRCh38, 1-based): chr1:47,416,506, G>T. VCF-style: chr1-47416506-G-T. GRCh37 (hg19) VCF-style: chr1-47882178-G-T.
Other names: c.191G>T (NM_012186.2); short protein forms R64L.
Identifiers: ClinVar variation 1009731 (VCV001009731.10), dbSNP rs751816743, ClinGen allele CA340249211.
Genomic context (GRCh38, chr1:47,416,506, plus strand): 5'-CGGCGGCTGGCCGCGGAGAGGCGGCCCCCACGCCCGCGCCCGGCCCGGGGCGGCGGCGGC[G>T]GCGGCCCCTGCAGCGCGGGAAGCCGCCCTACTCGTACATCGCGCTCATCGCCATGGCTCT-3'
Protein context (NP_036318.1, residues 54-74): TPAPGPGRRR[Arg64Leu]RPLQRGKPPY

ClinVar aggregate classification (germline): Uncertain significance. Review status: criteria provided, multiple submitters, no conflicts (2 of 4 stars). 2 submissions from 2 submitters: Uncertain significance (2). Last evaluated 2024-08-23.

Conditions:
Congenital primary aphakia. Also called: Anterior segment dysgenesis 2, multiple subtypes; ANTERIOR SEGMENT DYSGENESIS 2. Identifiers: Orphanet 83461, MedGen C1853230, MONDO:0012456, OMIM 610256.
Anterior segment dysgenesis. Also called: Ocular anterior segment dysgenesis. Identifiers: Orphanet 88632, MedGen C1862839, MONDO:0019503, HP:0007700.
Cardiovascular phenotype. Identifiers: MedGen CN230736.

Allele frequency attached by ClinVar (database versions not stated): gnomAD 0.00002; TOPMed 0.00002.
gnomAD v4.1: 42 of 1,304,144 alleles (0.0032%); highest among the groups gnomAD compares: Non-Finnish European, 0.0038%; no homozygotes.

Submissions (2):

Labcorp Genetics (formerly Invitae), Labcorp
Classification: Uncertain significance for Anterior segment dysgenesis; Congenital primary aphakia. Last evaluated: 2024-08-23. Review status: criteria provided, single submitter. Criteria: Invitae Variant Classification Sherloc (09022015). Collection method: clinical testing. Allele origin: germline.
Comment: This sequence change replaces arginine, which is basic and polar, with leucine, which is neutral and non-polar, at codon 64 of the FOXE3 protein (p.Arg64Leu). This variant is not present in population databases (gnomAD no frequency). This variant has not been reported in the literature in individuals affected with FOXE3-related conditions. ClinVar contains an entry for this variant (Variation ID: 1009731). Invitae Evidence Modeling of protein sequence and biophysical properties (such as structural, functional, and spatial information, amino acid conservation, physicochemical variation, residue mobility, and thermodynamic stability) indicates that this missense variant is not expected to disrupt FOXE3 protein function with a negative predictive value of 80%. In summary, the available evidence is currently insufficient to determine the role of this variant in disease. Therefore, it has been classified as a Variant of Uncertain Significance.

Ambry Genetics
Classification: Uncertain significance for Cardiovascular phenotype. Last evaluated: 2023-10-01. Review status: criteria provided, single submitter. Criteria: Ambry Variant Classification Scheme 2023. Collection method: clinical testing. Allele origin: germline.
Comment: The p.R64L variant (also known as c.191G>T), located in coding exon 1 of the FOXE3 gene, results from a G to T substitution at nucleotide position 191. The arginine at codon 64 is replaced by leucine, an amino acid with dissimilar properties. This amino acid position is conserved. In addition, this alteration is predicted to be tolerated by in silico analysis. Since supporting evidence is limited at this time, the clinical significance of this alteration remains unclear.